The following is an entry in ClinVar:

ClinVar aggregate classification (germline): Uncertain significance. Review status: criteria provided, multiple submitters, no conflicts (2 of 4 stars). 2 submissions from 2 submitters: Uncertain significance (2). Last evaluated 2025-08-01.

Conditions:
Hereditary diffuse gastric adenocarcinoma (HDGC). Also called: DIFFUSE GASTRIC AND LOBULAR BREAST CANCER SYNDROME. Identifiers: Orphanet 26106, MedGen C1708349, MONDO:0007648, OMIM 137215.
Hereditary cancer-predisposing syndrome. Also called: Neoplastic Syndromes, Hereditary; Hereditary Cancer Syndrome; Tumor predisposition; Hereditary neoplastic syndrome. Identifiers: Orphanet 140162, MedGen C0027672, MeSH D009386, MONDO:0015356.

Submissions (2):

Ambry Genetics
Classification: Uncertain significance for Hereditary cancer-predisposing syndrome. Last evaluated: 2025-08-01. Review status: criteria provided, single submitter. Criteria: Ambry Variant Classification Scheme 2023. Collection method: clinical testing. Allele origin: germline.
Comment: The p.V77A variant (also known as c.230T>C), located in coding exon 3 of the CDH1 gene, results from a T to C substitution at nucleotide position 230. The valine at codon 77 is replaced by alanine, an amino acid with similar properties. This amino acid position is highly conserved in available vertebrate species. In addition, the in silico prediction for this alteration is inconclusive. Since supporting evidence is limited at this time, the clinical significance of this alteration remains unclear.

Labcorp Genetics (formerly Invitae), Labcorp
Classification: Uncertain significance for Hereditary diffuse gastric adenocarcinoma. Last evaluated: 2022-12-10. Review status: criteria provided, single submitter. Criteria: Invitae Variant Classification Sherloc (09022015). Collection method: clinical testing. Allele origin: germline.
Comment: This sequence change replaces valine, which is neutral and non-polar, with alanine, which is neutral and non-polar, at codon 77 of the CDH1 protein (p.Val77Ala). This variant is not present in population databases (gnomAD no frequency). This variant has not been reported in the literature in individuals affected with CDH1-related conditions. ClinVar contains an entry for this variant (Variation ID: 1468660). Algorithms developed to predict the effect of missense changes on protein structure and function are either unavailable or do not agree on the potential impact of this missense change (SIFT: "Tolerated"; PolyPhen-2: "Possibly Damaging"; Align-GVGD: "Class C0"). In summary, the available evidence is currently insufficient to determine the role of this variant in disease. Therefore, it has been classified as a Variant of Uncertain Significance.

NM_004360.5(CDH1):c.230T>C (p.Val77Ala)

Gene: CDH1 (cadherin 1; plus strand). Cytogenetic location: 16q22.1.
Variant type: single nucleotide variant.
Coding change: c.230T>C on transcript NM_004360.5 (MANE Select); coding-DNA position 230, T replaced by C.
Protein change: p.Val77Ala; replaces valine 77 with alanine.
Molecular consequence: missense variant. On other transcripts: 5 prime UTR variant (2).
Genome position (GRCh38, 1-based): chr16:68,801,736, T>C. VCF-style: chr16-68801736-T-C. GRCh37 (hg19) VCF-style: chr16-68835639-T-C.
Other names: c.230T>C, p.Val77Ala (NM_001317184.2); c.-1386T>C (NM_001317185.2); c.-1590T>C (NM_001317186.2); short protein forms V77A.
Identifiers: ClinVar variation 1468660 (VCV001468660.10), dbSNP rs2152126731, ClinGen allele CA396457205.